The following is an entry in ClinVar:

ClinVar aggregate classification (germline): Uncertain significance (1 of 4 stars; one submission).

Conditions:
Tumor predisposition syndrome 3 (TPDS3). Also called: Glioma susceptibility 9; LONG TELOMERE SYNDROME, POT1-RELATED; POT1 Tumor Predisposition; Melanoma, cutaneous malignant, susceptibility to, 10. Identifiers: Orphanet 618, MedGen C4014476, MONDO:0014368, OMIM 615848.

Allele frequency attached by ClinVar (database versions not stated): gnomAD exomes below 0.00001.
gnomAD v4.1: 1 of 1,604,370 alleles (0.000062%); highest among the groups gnomAD compares: Non-Finnish European, 0.000085%; no homozygotes.

Submission:

Labcorp Genetics (formerly Invitae), Labcorp
Classification: Uncertain significance for Tumor predisposition syndrome 3. Last evaluated: 2022-03-08. Review status: criteria provided, single submitter. Criteria: Invitae Variant Classification Sherloc (09022015). Collection method: clinical testing. Allele origin: germline.
Comment: In summary, the available evidence is currently insufficient to determine the role of this variant in disease. Therefore, it has been classified as a Variant of Uncertain Significance. Algorithms developed to predict the effect of missense changes on protein structure and function are either unavailable or do not agree on the potential impact of this missense change (SIFT: "Deleterious"; PolyPhen-2: "Probably Damaging"; Align-GVGD: "Class C0"). ClinVar contains an entry for this variant (Variation ID: 541859). This variant has not been reported in the literature in individuals affected with POT1-related conditions. This variant is not present in population databases (gnomAD no frequency). This sequence change replaces isoleucine, which is neutral and non-polar, with threonine, which is neutral and polar, at codon 624 of the POT1 protein (p.Ile624Thr).

NM_015450.3(POT1):c.1871T>C (p.Ile624Thr)

Gene: POT1 (protection of telomeres 1; minus strand). Cytogenetic location: 7q31.33.
Variant type: single nucleotide variant.
Coding change: c.1871T>C on transcript NM_015450.3 (MANE Select); coding-DNA position 1871, T replaced by C.
Protein change: p.Ile624Thr; replaces isoleucine 624 with threonine.
Molecular consequence: missense variant. On other transcripts: non-coding transcript variant (3).
Genome position (GRCh38, 1-based): chr7:124,823,996, A>G on the plus strand (T>C on the coding strand, the complement: POT1 is on the minus strand). VCF-style: chr7-124823996-A-G. GRCh37 (hg19) VCF-style: chr7-124464050-A-G.
Other names: c.1478T>C, p.Ile493Thr (NM_001042594.2); short protein forms I624T, I493T.
Identifiers: ClinVar variation 541859 (VCV000541859.10), dbSNP rs1554414645, ClinGen allele CA369061118.
Genomic context (GRCh38, chr7:124,823,996, plus strand): 5'-TATGTATGCTAAATTGGATGGCAATATTAGATTACATCTTCTGCAACTGTGGTGTCAAAA[A>G]TCTGATAGCAAATTTGATTATCTGTTCCATTTGTGACATTGTATGACTTGATGAAGCATT-3'
Protein context (NP_056265.2, residues 614-634): NGTDNQICYQ[Ile624Thr]FDTTVAEDVI